The following is an entry in ClinVar:

NM_003072.5(SMARCA4):c.2109G>T (p.Ala703=)

Gene: SMARCA4 (SWI/SNF related BAF chromatin remodeling complex subunit ATPase 4; plus strand). Cytogenetic location: 19p13.2.
Variant type: single nucleotide variant.
Coding change: c.2109G>T on transcript NM_003072.5 (MANE Select); coding-DNA position 2109, G replaced by T.
Protein change: p.Ala703=; no amino-acid change (alanine 703 retained).
Molecular consequence: synonymous variant. On other transcripts: non-coding transcript variant (1).
Genome position (GRCh38, 1-based): chr19:11,008,009, G>T. VCF-style: chr19-11008009-G-T. GRCh37 (hg19) VCF-style: chr19-11118685-G-T.
Other names: c.2109G>T, p.Ala703= (NM_001128844.3, NM_001128845.2, NM_001128846.2 and 5 more transcripts); c.2109G>T (NM_001128849.2).
Identifiers: ClinVar variation 238392 (VCV000238392.35), dbSNP rs376562928, ClinGen allele CA9204007.

ClinVar aggregate classification (germline): Benign/Likely benign. Review status: criteria provided, multiple submitters, no conflicts (2 of 4 stars). 10 submissions from 10 submitters: Benign (3); Likely benign (6). 1 of the submissions does not count toward it. Last evaluated 2026-07-13.

Conditions:
Intellectual disability, autosomal dominant 16 (CSS4). Also called: COFFIN-SIRIS SYNDROME 4. Identifiers: Orphanet 1465, MedGen C3553249, MONDO:0013821, OMIM 614609.
Rhabdoid tumor predisposition syndrome 2 (RTPS2). Identifiers: Orphanet 231108, Orphanet 69077, MedGen C2750074, MONDO:0013224, OMIM 613325.
Otosclerosis 12. Identifiers: MedGen C5935610, MONDO:0968980, OMIM 620792.
SMARCA4-related disorder. Also called: SMARCA4-related condition.
Hereditary cancer-predisposing syndrome. Also called: Hereditary Cancer Syndrome; Tumor predisposition; Hereditary neoplastic syndrome; Neoplastic Syndromes, Hereditary. Identifiers: Orphanet 140162, MedGen C0027672, MeSH D009386, MONDO:0015356.

Allele frequency attached by ClinVar (database versions not stated): TOPMed 0.00006; ESP Exome Variant Server 0.00008.
gnomAD v4.1: 161 of 1,613,186 alleles (0.01%); highest among the groups gnomAD compares: Non-Finnish European, 0.013%; no homozygotes.

Submissions (10):

Myriad Genetics, Inc.
Classification: Benign for Rhabdoid tumor predisposition syndrome 2. Last evaluated: 2026-07-13. Review status: criteria provided, single submitter. Criteria: Myriad Autosomal Dominant, Autosomal Recessive and X-Linked Classification Criteria (2023). Collection method: clinical testing. Allele origin: unknown.
Comment: This variant is considered benign. This variant is a silent/synonymous amino acid change and it is not expected to impact splicing.

CeGaT Center for Human Genetics Tuebingen
Classification: Likely benign. Last evaluated: 2026-06-01. Review status: criteria provided, single submitter. Criteria: CeGaT Center For Human Genetics Tuebingen Variant Classification Criteria Version 2. Collection method: clinical testing. Allele origin: germline. Affected: yes. Observed: 2 variant alleles.
Comment: SMARCA4: BP4, BP7

Labcorp Genetics (formerly Invitae), Labcorp
Classification: Likely benign for Rhabdoid tumor predisposition syndrome 2. Last evaluated: 2026-02-03. Review status: criteria provided, single submitter. Criteria: Invitae Variant Classification Sherloc (09022015). Collection method: clinical testing. Allele origin: germline.

Department of Pathology and Laboratory Medicine, Sinai Health System
Classification: Likely benign for Rhabdoid tumor predisposition syndrome 2; Intellectual disability, autosomal dominant 16; Otosclerosis 12. Last evaluated: 2025-02-11. Review status: criteria provided, single submitter. Criteria: ACMG Guidelines, 2015. Collection method: clinical testing. Allele origin: germline.

ARUP Laboratories, Molecular Genetics and Genomics, ARUP Laboratories
Classification: Likely benign. Last evaluated: 2024-12-16. Review status: criteria provided, single submitter. Criteria: ARUP Molecular Germline Variant Investigation Process 2024. Collection method: clinical testing. Allele origin: germline.

Quest Diagnostics Nichols Institute San Juan Capistrano
Classification: Benign. Last evaluated: 2023-02-07. Review status: criteria provided, single submitter. Criteria: Quest Diagnostics criteria. Collection method: clinical testing. Allele origin: unknown.

GeneDx
Classification: Likely benign. Last evaluated: 2021-10-11. Review status: criteria provided, single submitter. Criteria: GeneDx Variant Classification Process June 2021. Collection method: clinical testing. Allele origin: germline. Affected: yes.

Sema4
Classification: Benign for Hereditary cancer-predisposing syndrome. Last evaluated: 2021-03-14. Review status: criteria provided, single submitter. Criteria: Sema4 Curation Guidelines. Collection method: curation. Allele origin: germline.

Ambry Genetics
Classification: Likely benign for Hereditary cancer-predisposing syndrome. Last evaluated: 2015-07-27. Review status: criteria provided, single submitter. Criteria: Ambry Variant Classification Scheme 2023. Collection method: clinical testing. Allele origin: germline.

PreventionGenetics, part of Exact Sciences
Classification: Likely benign for SMARCA4-related condition. Last evaluated: 2022-03-16. Review status: no assertion criteria provided. Collection method: clinical testing. Allele origin: germline. Not counted in ClinVar's aggregate classification.
Comment: This variant is classified as likely benign based on ACMG/AMP sequence variant interpretation guidelines (Richards et al. 2015 PMID: 25741868, with internal and published modifications).